The following is an entry in ClinVar:

NM_080473.5(GATA5):c.1147_1148del (p.Arg383fs)

Gene: GATA5 (GATA binding protein 5; minus strand). Cytogenetic location: 20q13.33.
Variant type: Deletion.
Coding change: c.1147_1148del on transcript NM_080473.5 (MANE Select); coding-DNA positions 1147 to 1148, 2 bases deleted (AG; older notation c.1147_1148delAG).
Protein change: p.Arg383fs; shifts the reading frame from arginine 383.
Molecular consequence: frameshift variant.
Genome position (GRCh38, 1-based): chr20:62,464,882-62,464,883, CT deleted on the plus strand (AG on the coding strand, the reverse complement: GATA5 is on the minus strand). VCF-style (leftmost placement, unchanged base first): chr20-62464881-CCT-C. GRCh37 (hg19) VCF-style: chr20-61039937-CCT-C.
Other names: short protein forms R383fs.
Identifiers: ClinVar variation 2096514 (VCV002096514.4), dbSNP rs1491331243, ClinGen allele CA746391800.

ClinVar aggregate classification (germline): Uncertain significance (1 of 4 stars; one submission).

Allele frequency attached by ClinVar (database versions not stated): gnomAD exomes below 0.00001; TOPMed below 0.00001.

Submission:

Labcorp Genetics (formerly Invitae), Labcorp
Classification: Uncertain significance. Last evaluated: 2022-04-15. Review status: criteria provided, single submitter. Criteria: Invitae Variant Classification Sherloc (09022015). Collection method: clinical testing. Allele origin: germline.
Comment: In summary, the available evidence is currently insufficient to determine the role of this variant in disease. Therefore, it has been classified as a Variant of Uncertain Significance. This sequence change results in a frameshift in the GATA5 gene (p.Arg383Glyfs*33). While this is not anticipated to result in nonsense mediated decay, it is expected to disrupt the last 15 amino acid(s) of the GATA5 protein and extend the protein by 17 additional amino acid residues. This variant is not present in population databases (gnomAD no frequency). This variant has not been reported in the literature in individuals affected with GATA5-related conditions. Experimental studies and prediction algorithms are not available or were not evaluated, and the functional significance of this variant is currently unknown.